The following is an entry in ClinVar:

ClinVar aggregate classification (germline): Conflicting classifications of pathogenicity. Review status: criteria provided, conflicting classifications (1 of 4 stars). 4 submissions from 4 submitters: Uncertain significance (3); Likely benign (1). Last evaluated 2025-05-18.

Conditions:
Cardiovascular phenotype. Identifiers: MedGen CN230736.
Long QT syndrome (LQTS). Identifiers: MedGen C0023976, MeSH D008133, MONDO:0002442. Disease mechanism: loss of function. Inheritance: Various modes of inheritance.

Allele frequency attached by ClinVar (database versions not stated): gnomAD exomes 0.00001 and 0.00003; TOPMed 0.00004; gnomAD 0.00005; ExAC 0.00006.
gnomAD v4.1: 27 of 1,613,936 alleles (0.0017%); highest among the groups gnomAD compares: African/African-American, 0.0067%; no homozygotes.

Submissions (4):

Labcorp Genetics (formerly Invitae), Labcorp
Classification: Uncertain significance for Long QT syndrome. Last evaluated: 2025-05-18. Review status: criteria provided, single submitter. Criteria: Invitae Variant Classification Sherloc (09022015). Collection method: clinical testing. Allele origin: germline.
Comment: This sequence change replaces serine, which is neutral and polar, with asparagine, which is neutral and polar, at codon 3046 of the ANK2 protein (p.Ser3046Asn). This variant is present in population databases (rs748521267, gnomAD 0.02%). This variant has not been reported in the literature in individuals affected with ANK2-related conditions. ClinVar contains an entry for this variant (Variation ID: 946067). An algorithm developed to predict the effect of missense changes on protein structure and function (PolyPhen-2) suggests that this variant is likely to be disruptive. In summary, the available evidence is currently insufficient to determine the role of this variant in disease. Therefore, it has been classified as a Variant of Uncertain Significance.

Ambry Genetics
Classification: Likely benign for Cardiovascular phenotype. Last evaluated: 2024-09-04. Review status: criteria provided, single submitter. Criteria: Ambry Variant Classification Scheme 2023. Collection method: clinical testing. Allele origin: germline.

CeGaT Center for Human Genetics Tuebingen
Classification: Uncertain significance. Last evaluated: 2024-06-01. Review status: criteria provided, single submitter. Criteria: CeGaT Center For Human Genetics Tuebingen Variant Classification Criteria Version 2. Collection method: clinical testing. Allele origin: germline. Affected: yes. Observed: 1 variant allele.

Blueprint Genetics
Classification: Uncertain significance. Last evaluated: 2023-12-21. Review status: criteria provided, single submitter. Criteria: ACMG Guidelines, 2015. Collection method: clinical testing. Allele origin: germline.

NM_001148.6(ANK2):c.9137G>A (p.Ser3046Asn)

Gene: ANK2 (ankyrin 2; plus strand). Cytogenetic location: 4q26.
Variant type: single nucleotide variant.
Coding change: c.9137G>A on transcript NM_001148.6 (MANE Select); coding-DNA position 9137, G replaced by A.
Protein change: p.Ser3046Asn; replaces serine 3046 with asparagine.
Molecular consequence: missense variant. On other transcripts: intron variant (68).
Genome position (GRCh38, 1-based): chr4:113,357,755, G>A. VCF-style: chr4-113357755-G-A. GRCh37 (hg19) VCF-style: chr4-114278911-G-A.
Other names: c.8903G>A, p.Ser2968Asn (NM_001386142.1); c.5537G>A, p.Ser1846Asn (NM_001386166.1); c.9278G>A, p.Ser3093Asn (NM_001386174.1); c.9254G>A, p.Ser3085Asn (NM_001386175.1); c.4412-3068G>A (NM_001386186.2, NM_001386148.2); c.4214-3068G>A (NM_001354269.3); c.4292-3068G>A (NM_001386187.2); c.4253-3068G>A (NM_001386147.1); and 35 more; short protein forms S3046N, S1846N, S2968N, S3085N, S3093N.
Identifiers: ClinVar variation 946067 (VCV000946067.28), dbSNP rs748521267, ClinGen allele CA3051874.